The following is an entry in ClinVar:

ClinVar aggregate classification (germline): Uncertain significance. Review status: criteria provided, multiple submitters, no conflicts (2 of 4 stars). 2 submissions from 2 submitters: Uncertain significance (2). Last evaluated 2024-12-09.

Conditions:
ABCA4-related disorder. Also called: ABCA4-related disorders; ABCA4-related condition. Identifiers: MedGen CN239167.

Allele frequency attached by ClinVar (database versions not stated): gnomAD exomes 0.00004 and 0.00010; ExAC 0.00009; gnomAD 0.00001; TOPMed 0.00003.
gnomAD v4.1: 25 of 1,613,540 alleles (0.0015%); highest among the groups gnomAD compares: Admixed American, 0.042%; no homozygotes.

Submissions (2):

Labcorp Genetics (formerly Invitae), Labcorp
Classification: Uncertain significance. Last evaluated: 2024-12-09. Review status: criteria provided, single submitter. Criteria: Invitae Variant Classification Sherloc (09022015). Collection method: clinical testing. Allele origin: germline.
Comment: This sequence change replaces aspartic acid, which is acidic and polar, with tyrosine, which is neutral and polar, at codon 1919 of the ABCA4 protein (p.Asp1919Tyr). This variant is present in population databases (rs756324586, gnomAD 0.06%). This missense change has been observed in individual(s) with retinitis pigmentosa (PMID: 25097241). ClinVar contains an entry for this variant (Variation ID: 1036059). Invitae Evidence Modeling of protein sequence and biophysical properties (such as structural, functional, and spatial information, amino acid conservation, physicochemical variation, residue mobility, and thermodynamic stability) indicates that this missense variant is expected to disrupt ABCA4 protein function with a positive predictive value of 80%. In summary, the available evidence is currently insufficient to determine the role of this variant in disease. Therefore, it has been classified as a Variant of Uncertain Significance.

PreventionGenetics, part of Exact Sciences
Classification: Uncertain significance for ABCA4-related condition. Last evaluated: 2024-10-18. Review status: criteria provided, single submitter. Criteria: ACMG Guidelines, 2015. Collection method: clinical testing. Allele origin: germline.
Comment: The ABCA4 c.5755G>T variant is predicted to result in the amino acid substitution p.Asp1919Tyr. This variant has been reported along with a second ABCA4 variant in an individual with retinitis pigmentosa (Wang et al. 2014. PubMed ID: 25097241). This variant is reported in 0.066% of alleles in individuals of Latino descent in gnomAD. At this time, the clinical significance of this variant is uncertain due to the absence of conclusive functional and genetic evidence.

Literature cited by the submitters: PubMed 25097241 (cited by Labcorp Genetics (formerly Invitae), Labcorp).

NM_000350.3(ABCA4):c.5755G>T (p.Asp1919Tyr)

Gene: ABCA4 (ATP binding cassette subfamily A member 4; minus strand). Cytogenetic location: 1p22.1.
Variant type: single nucleotide variant.
Coding change: c.5755G>T on transcript NM_000350.3 (MANE Select); coding-DNA position 5755, G replaced by T.
Protein change: p.Asp1919Tyr; replaces aspartic acid 1919 with tyrosine.
Molecular consequence: missense variant.
Genome position (GRCh38, 1-based): chr1:94,008,831, C>A on the plus strand (G>T on the coding strand, the complement: ABCA4 is on the minus strand). VCF-style: chr1-94008831-C-A. GRCh37 (hg19) VCF-style: chr1-94474387-C-A.
Other names: c.5755G>T (NM_000350.2); c.5533G>T, p.Asp1845Tyr (NM_001425324.1); short protein forms D1919Y, D1845Y.
Identifiers: ClinVar variation 1036059 (VCV001036059.8), dbSNP rs756324586, ClinGen allele CA957124.